The following is an entry in ClinVar:

NM_001084.5(PLOD3):c.1005+1G>C

Gene: PLOD3 (procollagen-lysine,2-oxoglutarate 5-dioxygenase 3; minus strand). Cytogenetic location: 7q22.1.
Variant type: single nucleotide variant.
Coding change: c.1005+1G>C on transcript NM_001084.5 (MANE Select); the canonical splice donor site of the intron after coding-DNA position 1005, G replaced by C.
Molecular consequence: splice donor variant.
Genome position (GRCh38, 1-based): chr7:101,212,529, C>G on the plus strand (G>C on the coding strand, the complement: PLOD3 is on the minus strand). VCF-style: chr7-101212529-C-G. GRCh37 (hg19) VCF-style: chr7-100855810-C-G.
Identifiers: ClinVar variation 3725902 (VCV003725902.2).
Genomic context (GRCh38, chr7:101,212,529, plus strand): 5'-AGAGTTCTGATCAGGGCAGGGAAAGGGTCCCTCAGGAGAGGCTCCAACAGGGGAGTCTCA[C>G]GTTGTTGTGCAGGAAAAGGGTGACCCTGTCGGGGGGATAGTCCAGGAGTAGCAGCCGCTG-3'

ClinVar aggregate classification (germline): Likely pathogenic (1 of 4 stars; one submission).

Submission:

Labcorp Genetics (formerly Invitae), Labcorp
Classification: Likely pathogenic. Last evaluated: 2024-11-23. Review status: criteria provided, single submitter. Criteria: Invitae Variant Classification Sherloc (09022015). Collection method: clinical testing. Allele origin: germline.
Comment: This sequence change affects a donor splice site in intron 9 of the PLOD3 gene. It is expected to disrupt RNA splicing. Variants that disrupt the donor or acceptor splice site typically lead to a loss of protein function (PMID: 16199547), and loss-of-function variants in PLOD3 are known to be pathogenic (PMID: 30237576). This variant is not present in population databases (gnomAD no frequency). This variant has not been reported in the literature in individuals affected with PLOD3-related conditions. Algorithms developed to predict the effect of sequence changes on RNA splicing suggest that this variant may disrupt the consensus splice site. In summary, the currently available evidence indicates that the variant is pathogenic, but additional data are needed to prove that conclusively. Therefore, this variant has been classified as Likely Pathogenic.

Literature cited by the submitters: PubMed 16199547; PubMed 30237576.